The following is an entry in ClinVar:

NM_001065.4(TNFRSF1A):c.903C>A (p.Pro301=)

Gene: TNFRSF1A (TNF receptor superfamily member 1A; minus strand). Cytogenetic location: 12p13.31.
Variant type: single nucleotide variant.
Coding change: c.903C>A on transcript NM_001065.4 (MANE Select); coding-DNA position 903, C replaced by A.
Protein change: p.Pro301=; no amino-acid change (proline 301 retained).
Molecular consequence: synonymous variant. On other transcripts: non-coding transcript variant (1).
Genome position (GRCh38, 1-based): chr12:6,329,932, G>T on the plus strand (C>A on the coding strand, the complement: TNFRSF1A is on the minus strand). VCF-style: chr12-6329932-G-T. GRCh37 (hg19) VCF-style: chr12-6439098-G-T.
Other names: c.579C>A, p.Pro193= (NM_001346091.2); c.444C>A, p.Pro148= (NM_001346092.2).
Identifiers: ClinVar variation 3616667 (VCV003616667.2).

ClinVar aggregate classification (germline): Uncertain significance (1 of 4 stars; one submission).

Conditions:
TNF receptor-associated periodic fever syndrome (TRAPS) (FPF). Also called: FAMILIAL HIBERNIAN FEVER; TNF RECEPTOR-ASSOCIATED PERIODIC SYNDROME; TUMOR NECROSIS FACTOR RECEPTOR-ASSOCIATED PERIODIC SYNDROME; Autosomal Dominant Familial Periodic Fever; TNF Receptor-Associated Periodic Fever Syndrome; TNF receptor 1-associated periodic fever syndrome. Identifiers: Orphanet 32960, MedGen C1275126, MONDO:0007727, OMIM 142680.

Submission:

Labcorp Genetics (formerly Invitae), Labcorp
Classification: Uncertain significance for TNF receptor-associated periodic fever syndrome (TRAPS). Last evaluated: 2025-05-28. Review status: criteria provided, single submitter. Criteria: Invitae Variant Classification Sherloc (09022015). Collection method: clinical testing. Allele origin: germline.
Comment: This sequence change affects codon 301 of the TNFRSF1A mRNA. It is a 'silent' change, meaning that it does not change the encoded amino acid sequence of the TNFRSF1A protein. This variant is not present in population databases (gnomAD no frequency). This variant has not been reported in the literature in individuals affected with TNFRSF1A-related conditions. ClinVar contains an entry for this variant (Variation ID: 3616667). Algorithms developed to predict the effect of sequence changes on RNA splicing suggest that this variant may create or strengthen a splice site. In summary, the available evidence is currently insufficient to determine the role of this variant in disease. Therefore, it has been classified as a Variant of Uncertain Significance.